The following is an entry in ClinVar:

NM_006269.2(RP1):c.4582_4585del (p.Ile1528fs)

Gene: RP1 (RP1 axonemal microtubule associated; plus strand). Cytogenetic location: 8q12.1.
Variant type: Deletion.
Coding change: c.4582_4585del on transcript NM_006269.2 (MANE Select); coding-DNA positions 4582 to 4585, 4 bases deleted (ATCA; older notation c.4582_4585delATCA).
Protein change: p.Ile1528fs; shifts the reading frame from isoleucine 1528.
Molecular consequence: frameshift variant. On other transcripts: intron variant (1).
Genome position (GRCh38, 1-based): chr8:54,628,464-54,628,467, ATCA deleted; deleting any 4 consecutive bases within chr8:54,628,463-54,628,467 gives the same sequence; the c. name uses the placement nearest the transcript's 3' end. VCF-style (leftmost placement, unchanged base first): chr8-54628462-TAATC-T. GRCh37 (hg19) VCF-style: chr8-55541022-TAATC-T.
Other names: p.Ile1528Valfs*10; c.787+6176_787+6179del (NM_001375654.1); c.4582_4585del (NM_006269.1); short protein forms I1528fs.
Identifiers: ClinVar variation 1076906 (VCV001076906.12), dbSNP rs1200229021, ClinGen allele CA582168364.

ClinVar aggregate classification (germline): Pathogenic/Likely pathogenic. Review status: criteria provided, multiple submitters, no conflicts (2 of 4 stars). 4 submissions from 4 submitters: Pathogenic (3); Likely pathogenic (1). Last evaluated 2026-10-19.

Conditions:
RP1-related recessive retinopathy. Identifiers: MedGen CN322605, MONDO:0800399.
Retinitis pigmentosa 1 (RP1). Identifiers: Orphanet 791, MedGen C0220701, MONDO:0008377, OMIM 180100.

Submissions (4):

Department of Ophthalmology, Seoul National University Bundang Hospital
Classification: Pathogenic for RP1-related recessive retinopathy. Last evaluated: 2026-10-19. Review status: criteria provided, single submitter. Criteria: ACMG Guidelines, 2015. Collection method: clinical testing. Allele origin: germline. Inheritance: Autosomal recessive inheritance. Affected: yes.
Comment: Frameshift variant in exon 4. Identified in a Korean multicenter RP1 cohort (PMID:42847597) with recessive cone-rod dystrophy and macular dystrophy. ACMG/AMP criteria: PVS1, PS4, PM2. Previously reported by Martin-Merida et al., 2019 (PMID:30902645); Huckfeldt et al., 2020 (PMID:32565670); Mendez-Vidal et al., 2014 (PMID:25494902).

Labcorp Genetics (formerly Invitae), Labcorp
Classification: Pathogenic. Last evaluated: 2025-12-29. Review status: criteria provided, single submitter. Criteria: Invitae Variant Classification Sherloc (09022015). Collection method: clinical testing. Allele origin: germline.
Comment: This sequence change creates a premature translational stop signal (p.Ile1528Valfs*10) in the RP1 gene. While this is not anticipated to result in nonsense mediated decay, it is expected to disrupt the last 629 amino acid(s) of the RP1 protein. This variant is present in population databases (no rsID available, gnomAD 0.02%). This premature translational stop signal has been observed in individual(s) with autosomal recessive retinitis pigmentosa (PMID: 25494902). It has also been observed to segregate with disease in related individuals. ClinVar contains an entry for this variant (Variation ID: 1076906). This variant disrupts the C-terminus of the RP1 protein. Many variants that disrupt this region have been reported in individuals with either autosomal dominant or autosomal recessive retinitis pigmentosa (PMID: 11527933, 19933189, 29425069, 30027431, 33681214). Therefore, variants that disrupt this region are expected to be disease-causing. For these reasons, this variant has been classified as Pathogenic.

GeneDx
Classification: Pathogenic. Last evaluated: 2024-04-03. Review status: criteria provided, single submitter. Criteria: GeneDx Variant Classification Process June 2021. Collection method: clinical testing. Allele origin: germline. Affected: yes.
Comment: Frameshift variant predicted to result in abnormal protein length as the last 629 amino acids are replaced with 9 different amino acids, and other similar variants have been reported in HGMD; Not observed at significant frequency in large population cohorts (gnomAD); This variant is associated with the following publications: (PMID: 25494902, 32565670, 34183725, 31964843)

3billion
Classification: Likely pathogenic for Retinitis pigmentosa 1. Last evaluated: 2023-09-11. Review status: criteria provided, single submitter. Criteria: ACMG Guidelines, 2015. Collection method: clinical testing. Allele origin: germline. Affected: yes.
Comment: The variant is observed at an extremely low frequency in the gnomAD v2.1.1 dataset (total allele frequency: 0.001%). Predicted Consequence/Location: Frameshift: predicted to result in a loss or disruption of normal protein function through protein truncation. The predicted truncated protein may be shortened by more than 10%. The variant has been reported to be associated with RP1 related disorder (ClinVar ID: VCV001076906 /PMID: 25494902). Therefore, this variant is classified as Likely pathogenic according to the recommendation of ACMG/AMP guideline.

Literature cited by the submitters: PubMed 42847597 (cited by Department of Ophthalmology, Seoul National University Bundang Hospital); PubMed 30902645 (cited by Department of Ophthalmology, Seoul National University Bundang Hospital); PubMed 32565670 (cited by Department of Ophthalmology, Seoul National University Bundang Hospital); PubMed 25494902 (cited by 3 submitters); PubMed 11527933 (cited by Labcorp Genetics (formerly Invitae), Labcorp); PubMed 19933189 (cited by Labcorp Genetics (formerly Invitae), Labcorp); PubMed 29425069 (cited by Labcorp Genetics (formerly Invitae), Labcorp); PubMed 30027431 (cited by Labcorp Genetics (formerly Invitae), Labcorp); PubMed 33681214 (cited by Labcorp Genetics (formerly Invitae), Labcorp).